The following is an entry in ClinVar:

NM_014714.4(IFT140):c.3874-1G>A

Gene: IFT140 (intraflagellar transport 140; minus strand). Cytogenetic location: 16p13.3.
Variant type: single nucleotide variant.
Coding change: c.3874-1G>A on transcript NM_014714.4 (MANE Select); the canonical splice acceptor site of the intron before coding-DNA position 3874, G replaced by A.
Molecular consequence: splice acceptor variant.
Genome position (GRCh38, 1-based): chr16:1,520,048, C>T on the plus strand (G>A on the coding strand, the complement: IFT140 is on the minus strand). VCF-style: chr16-1520048-C-T. GRCh37 (hg19) VCF-style: chr16-1570049-C-T.
Identifiers: ClinVar variation 961146 (VCV000961146.12), dbSNP rs749563050, ClinGen allele CA7812990.

ClinVar aggregate classification (germline): Pathogenic/Likely pathogenic. Review status: criteria provided, multiple submitters, no conflicts (2 of 4 stars). 4 submissions from 4 submitters: Pathogenic (1); Likely pathogenic (3). Last evaluated 2026-09-02.

Conditions:
Saldino-Mainzer syndrome (SRTD9). Also called: CONORENAL SYNDROME; SHORT-RIB THORACIC DYSPLASIA 9 WITHOUT POLYDACTYLY; short-rib thoracic dysplasia 9 with or without polydactyly; Renal dysplasia, retinal pigmentary dystrophy, cerebellar ataxia and skeletal dysplasia. Identifiers: Orphanet 140969, MedGen C1849437, MONDO:0009964, OMIM 266920.
Retinitis pigmentosa 80 (RP80). Identifiers: MedGen C4540439, MONDO:0054708, OMIM 617781.
Inborn genetic diseases. Identifiers: MedGen C0950123, MeSH D030342.
IFT140-related disorder. Also called: IFT140-related condition.

Allele frequency attached by ClinVar (database versions not stated): gnomAD exomes below 0.00001 and 0.00001; gnomAD 0.00001; TOPMed below 0.00001; ExAC 0.00001.
gnomAD v4.1: 4 of 1,604,706 alleles (0.00025%); highest among the groups gnomAD compares: Admixed American, 0.0034%; no homozygotes.

Submissions (4):

PreventionGenetics, part of Exact Sciences
Classification: Pathogenic for IFT140-related condition. Last evaluated: 2026-09-02. Review status: criteria provided, single submitter. Criteria: ACMG Guidelines, 2015. Collection method: clinical testing. Allele origin: germline.
Comment: The IFT140 c.3874-1G>A variant is predicted to disrupt the AG splice acceptor site and interfere with normal splicing. This variant has been reported in a worldwide carrier study of autosomal recessive retinal diseases (Table S3, Hanany et al. 2020. PubMed ID: 31964843). This variant has been reported in the heterozygous state in individuals with polycystic kidney disease (Clark et al. 2024. PubMed ID: 39136524). This variant is present in 0.0080% of alleles in individuals of African descent in gnomAD. Variants that disrupt the consensus splice acceptor site in IFT140 are expected to be pathogenic. This variant is interpreted as pathogenic for both autosomal dominant and autosomal recessive IFT140-related disorders.

Ambry Genetics
Classification: Likely pathogenic for Inborn genetic diseases. Last evaluated: 2026-08-03. Review status: criteria provided, single submitter. Criteria: Ambry Variant Classification Scheme 2023. Collection method: clinical testing. Allele origin: germline.
Comment: The c.3874-1G>A intronic variant results from a G to A substitution one nucleotide before exon 29 (coding exon 27) of the IFT140 gene. Alterations that disrupt the canonical splice site are expected to cause aberrant splicing, resulting in an abnormal protein or a transcript that is subject to nonsense-mediated mRNA decay. Based on data from gnomAD, the A allele has an overall frequency of 0.0011% (3/276940) total alleles studied. The highest observed frequency was 0.008% (2/24876) of African/African American alleles. This nucleotide position is highly conserved in available vertebrate species. In silico splice site analysis predicts that this alteration will weaken the native splice acceptor site. Based on the available evidence, this alteration is classified as likely pathogenic.

Labcorp Genetics (formerly Invitae), Labcorp
Classification: Likely pathogenic for Saldino-Mainzer syndrome. Last evaluated: 2025-07-28. Review status: criteria provided, single submitter. Criteria: Invitae Variant Classification Sherloc (09022015). Collection method: clinical testing. Allele origin: germline.
Comment: This sequence change affects an acceptor splice site in intron 28 of the IFT140 gene. It is expected to disrupt RNA splicing. Variants that disrupt the donor or acceptor splice site typically lead to a loss of protein function (PMID: 16199547), and loss-of-function variants in IFT140 are known to be pathogenic (PMID: 22503633, 23418020, 24009529, 26216056). This variant is present in population databases (rs749563050, gnomAD 0.008%). This variant has not been reported in the literature in individuals affected with IFT140-related conditions. ClinVar contains an entry for this variant (Variation ID: 961146). Algorithms developed to predict the effect of sequence changes on RNA splicing suggest that this variant may disrupt the consensus splice site. In summary, the currently available evidence indicates that the variant is pathogenic, but additional data are needed to prove that conclusively. Therefore, this variant has been classified as Likely Pathogenic.

Fulgent Genetics
Classification: Likely pathogenic for Saldino-Mainzer syndrome; Retinitis pigmentosa 80. Last evaluated: 2024-03-23. Review status: criteria provided, single submitter. Criteria: ACMG Guidelines, 2015. Collection method: clinical testing. Allele origin: germline.

Literature cited by the submitters: PubMed 16199547 (cited by Labcorp Genetics (formerly Invitae), Labcorp); PubMed 22503633 (cited by Labcorp Genetics (formerly Invitae), Labcorp); PubMed 23418020 (cited by Labcorp Genetics (formerly Invitae), Labcorp); PubMed 24009529 (cited by Labcorp Genetics (formerly Invitae), Labcorp); PubMed 26216056 (cited by Labcorp Genetics (formerly Invitae), Labcorp).